The following is an entry in ClinVar:

ClinVar aggregate classification (germline): Benign. Review status: criteria provided, multiple submitters, no conflicts (2 of 4 stars). 4 submissions from 4 submitters: Benign (2). 2 of the submissions do not count toward it. Last evaluated 2026-02-02.

Conditions:
Emery-Dreifuss muscular dystrophy 4, autosomal dominant (EDMD4). Also called: EMERY-DREIFUSS MUSCULAR DYSTROPHY 4 WITH VARIABLE FEATURES. Identifiers: Orphanet 261, MedGen C2751807, MONDO:0013071, OMIM 612998.
Autosomal recessive ataxia, Beauce type. Also called: ATAXIA, RECESSIVE, OF BEAUCE; SYNE1-Related Autosomal Recessive Cerebellar Ataxia; Spinocerebellar ataxia, autosomal recessive 8; SYNE1 Deficiency. Identifiers: Orphanet 88644, MedGen C1853116, MONDO:0012549, OMIM 610743.

Allele frequency attached by ClinVar (database versions not stated): ESP Exome Variant Server 0.00469; gnomAD exomes 0.00686 and 0.01449; 1000 Genomes Project 30x 0.00765; gnomAD 0.00810 and 0.00816; TOPMed 0.00847; 1000 Genomes Project 0.00859; ExAC 0.01167.
gnomAD v4.1: 11,240 of 1,614,098 alleles (0.7%); highest among the groups gnomAD compares: Admixed American, 5.3%; 159 homozygotes.

Submissions (4):

Labcorp Genetics (formerly Invitae), Labcorp
Classification: Benign for Emery-Dreifuss muscular dystrophy 4, autosomal dominant; Autosomal recessive ataxia, Beauce type. Last evaluated: 2026-02-02. Review status: criteria provided, single submitter. Criteria: Invitae Variant Classification Sherloc (09022015). Collection method: clinical testing. Allele origin: germline.

GeneDx
Classification: Benign. Last evaluated: 2016-03-29. Review status: criteria provided, single submitter. Criteria: GeneDx Variant Classification (06012015). Collection method: clinical testing. Allele origin: germline. Affected: yes.
Comment: This variant is considered likely benign or benign based on one or more of the following criteria: it is a conservative change, it occurs at a poorly conserved position in the protein, it is predicted to be benign by multiple in silico algorithms, and/or has population frequency not consistent with disease.

Clinical Genetics DNA and cytogenetics Diagnostics Lab, Erasmus MC, Erasmus Medical Center
Classification: Benign. Review status: no assertion criteria provided. Collection method: clinical testing. Allele origin: germline. Affected: yes. Study: VKGL Data-share Consensus. Not counted in ClinVar's aggregate classification.

Clinical Genetics, Academic Medical Center
Classification: Benign. Review status: no assertion criteria provided. Collection method: clinical testing. Allele origin: germline. Affected: yes. Study: VKGL Data-share Consensus. Not counted in ClinVar's aggregate classification.

NM_182961.4(SYNE1):c.25246+18A>C

Gene: SYNE1 (spectrin repeat containing nuclear envelope protein 1; minus strand). Cytogenetic location: 6q25.2.
Variant type: single nucleotide variant.
Coding change: c.25246+18A>C on transcript NM_182961.4 (MANE Select); 18 bases into the intron after coding-DNA position 25246, A replaced by C.
Molecular consequence: intron variant.
Genome position (GRCh38, 1-based): chr6:152,141,185, T>G on the plus strand (A>C on the coding strand, the complement: SYNE1 is on the minus strand). VCF-style: chr6-152141185-T-G. GRCh37 (hg19) VCF-style: chr6-152462320-T-G.
Other names: c.25102+18A>C (NM_033071.5); c.1852+18A>C (NM_001347701.2); c.1780+18A>C (NM_001347702.2).
Identifiers: ClinVar variation 383359 (VCV000383359.13), dbSNP rs11756479, ClinGen allele CA4052887.